The following is an entry in ClinVar:

ClinVar aggregate classification (germline): Uncertain significance. Review status: criteria provided, multiple submitters, no conflicts (2 of 4 stars). 3 submissions from 3 submitters: Uncertain significance (3). Last evaluated 2023-11-20.

Conditions:
Inborn genetic diseases. Identifiers: MedGen C0950123, MeSH D030342.
Spinocerebellar ataxia type 35. Identifiers: Orphanet 276193, MedGen C3888031, MONDO:0013485, OMIM 613908.

Allele frequency attached by ClinVar (database versions not stated): gnomAD 0.00001; gnomAD exomes 0.00001; TOPMed 0.00001.
gnomAD v4.1: 9 of 1,613,822 alleles (0.00056%); highest among the groups gnomAD compares: Non-Finnish European, 0.00076%; no homozygotes.

Submissions (3):

Labcorp Genetics (formerly Invitae), Labcorp
Classification: Uncertain significance. Last evaluated: 2023-11-20. Review status: criteria provided, single submitter. Criteria: Invitae Variant Classification Sherloc (09022015). Collection method: clinical testing. Allele origin: germline.
Comment: This sequence change replaces lysine, which is basic and polar, with glutamic acid, which is acidic and polar, at codon 263 of the TGM6 protein (p.Lys263Glu). This variant is present in population databases (no rsID available, gnomAD 0.007%). This variant has not been reported in the literature in individuals affected with TGM6-related conditions. ClinVar contains an entry for this variant (Variation ID: 337910). Advanced modeling of protein sequence and biophysical properties (such as structural, functional, and spatial information, amino acid conservation, physicochemical variation, residue mobility, and thermodynamic stability) performed at Invitae indicates that this missense variant is not expected to disrupt TGM6 protein function with a negative predictive value of 80%. In summary, the available evidence is currently insufficient to determine the role of this variant in disease. Therefore, it has been classified as a Variant of Uncertain Significance.

Ambry Genetics
Classification: Uncertain significance for Inborn genetic diseases. Last evaluated: 2022-11-10. Review status: criteria provided, single submitter. Criteria: Ambry Variant Classification Scheme 2023. Collection method: clinical testing. Allele origin: germline.

Illumina Laboratory Services, Illumina
Classification: Uncertain significance for Spinocerebellar ataxia type 35. Last evaluated: 2018-01-12. Review status: criteria provided, single submitter. Criteria: ICSL Variant Classification Criteria 13 December 2019. Collection method: clinical testing. Allele origin: germline.

NM_198994.3(TGM6):c.787A>G (p.Lys263Glu)

Gene: TGM6 (transglutaminase 6; plus strand). Cytogenetic location: 20p13.
Variant type: single nucleotide variant.
Coding change: c.787A>G on transcript NM_198994.3 (MANE Select); coding-DNA position 787, A replaced by G.
Protein change: p.Lys263Glu; replaces lysine 263 with glutamic acid.
Molecular consequence: missense variant.
Genome position (GRCh38, 1-based): chr20:2,399,675, A>G. VCF-style: chr20-2399675-A-G. GRCh37 (hg19) VCF-style: chr20-2380321-A-G.
Other names: c.787A>G, p.Lys263Glu (NM_001254734.2); short protein forms K263E.
Identifiers: ClinVar variation 337910 (VCV000337910.10), dbSNP rs886056552, ClinGen allele CA10652414.